The following is an entry in ClinVar:

NM_000540.3(RYR1):c.10283_10290dup (p.Ala3431fs)

Gene: RYR1 (ryanodine receptor 1; plus strand). Cytogenetic location: 19q13.2.
Variant type: Duplication.
Coding change: c.10283_10290dup on transcript NM_000540.3 (MANE Select); coding-DNA positions 10283 to 10290, 8 bases duplicated (ATCCCAGC; older notation c.10283_10290dupATCCCAGC).
Protein change: p.Ala3431fs; shifts the reading frame from alanine 3431.
Molecular consequence: frameshift variant.
Genome position (GRCh38, 1-based): chr19:38,523,051-38,523,058, ATCCCAGC duplicated. VCF-style (leftmost placement, unchanged base first): chr19-38523050-A-AATCCCAGC. GRCh37 (hg19) VCF-style: chr19-39013690-A-AATCCCAGC.
Other names: c.10283_10290dup, p.Ala3431fs (NM_001042723.2); short protein forms A3431fs.
Identifiers: ClinVar variation 2751720 (VCV002751720.3), dbSNP rs2514462373, ClinGen allele CA2584904590.

ClinVar aggregate classification (germline): Pathogenic (1 of 4 stars; one submission).

Conditions:
RYR1-related disorder. Also called: RYR1-related condition; RYR1-related disorders. Identifiers: MedGen CN239331.

Allele frequency attached by ClinVar (database versions not stated): gnomAD exomes below 0.00001.

Submission:

Labcorp Genetics (formerly Invitae), Labcorp
Classification: Pathogenic for RYR1-related disorder. Last evaluated: 2023-08-10. Review status: criteria provided, single submitter. Criteria: Invitae Variant Classification Sherloc (09022015). Collection method: clinical testing. Allele origin: germline.
Comment: This sequence change creates a premature translational stop signal (p.Ala3431Ilefs*43) in the RYR1 gene. It is expected to result in an absent or disrupted protein product. Loss-of-function variants in RYR1 are known to be pathogenic (PMID: 23919265, 25960145, 28818389, 30611313). This variant is not present in population databases (gnomAD no frequency). This variant has not been reported in the literature in individuals affected with RYR1-related conditions. For these reasons, this variant has been classified as Pathogenic.

Literature cited by the submitters: PubMed 23919265; PubMed 25960145; PubMed 28818389; PubMed 30611313.